The following is an entry in ClinVar:

NM_001370259.2(MEN1):c.491C>T (p.Ala164Val)

Gene: MEN1 (menin 1; minus strand). Cytogenetic location: 11q13.1.
Variant type: single nucleotide variant.
Coding change: c.491C>T on transcript NM_001370259.2 (MANE Select); coding-DNA position 491, C replaced by T.
Protein change: p.Ala164Val; replaces alanine 164 with valine.
Molecular consequence: missense variant.
Genome position (GRCh38, 1-based): chr11:64,808,054, G>A on the plus strand (C>T on the coding strand, the complement: MEN1 is on the minus strand). VCF-style: chr11-64808054-G-A. GRCh37 (hg19) VCF-style: chr11-64575526-G-A.
Other names: c.506C>T, p.Ala169Val (NM_130802.3, NM_130803.3, NM_130804.3 and 3 more transcripts); c.491C>T, p.Ala164Val (NM_001370251.2, NM_001370260.2, NM_001370261.2 and 3 more transcripts); short protein forms A169V, A164V.
Identifiers: ClinVar variation 579495 (VCV000579495.9), dbSNP rs1565648547, ClinGen allele CA381186117.

ClinVar aggregate classification (germline): Likely pathogenic. Review status: criteria provided, multiple submitters, no conflicts (2 of 4 stars). 2 submissions from 2 submitters: Likely pathogenic (2). Last evaluated 2025-08-01.

Conditions:
Hereditary cancer-predisposing syndrome. Also called: Hereditary neoplastic syndrome; Tumor predisposition; Hereditary Cancer Syndrome; Neoplastic Syndromes, Hereditary. Identifiers: Orphanet 140162, MedGen C0027672, MeSH D009386, MONDO:0015356.
Multiple endocrine neoplasia, type 1 (MEN1). Also called: MEN I; WERMER SYNDROME; Endocrine adenomatosis multiple; MEN 1; MEA I. Identifiers: Orphanet 652, MedGen C0025267, MeSH D018761, MONDO:0007540, OMIM 131100.

Submissions (2):

Ambry Genetics
Classification: Likely pathogenic for Hereditary cancer-predisposing syndrome. Last evaluated: 2025-08-01. Review status: criteria provided, single submitter. Criteria: Ambry Variant Classification Scheme 2023. Collection method: clinical testing. Allele origin: germline.
Comment: The p.A164V variant (also known as c.491C>T), located in coding exon 2 of the MEN1 gene, results from a C to T substitution at nucleotide position 491. The alanine at codon 164 is replaced by valine, an amino acid with similar properties. This variant was reported in individual(s) with features consistent with multiple endocrine neoplasia type 1 (Romanet P et al. J Clin Endocrinol Metab, 2019 Mar;104:753-764; Ambry internal data). This amino acid position is highly conserved in available vertebrate species. In addition, this alteration is predicted to be deleterious by in silico analysis. Based on the majority of available evidence to date, this variant is likely to be pathogenic.

Labcorp Genetics (formerly Invitae), Labcorp
Classification: Likely pathogenic for Multiple endocrine neoplasia, type 1. Last evaluated: 2022-03-14. Review status: criteria provided, single submitter. Criteria: Invitae Variant Classification Sherloc (09022015). Collection method: clinical testing. Allele origin: germline.
Comment: In summary, the currently available evidence indicates that the variant is pathogenic, but additional data are needed to prove that conclusively. Therefore, this variant has been classified as Likely Pathogenic. This variant disrupts the p.Ala164 amino acid residue in MEN1. Other variant(s) that disrupt this residue have been determined to be pathogenic (PMID: 9463336, 12112656, 12509449, 20231234, 25309785). This suggests that this residue is clinically significant, and that variants that disrupt this residue are likely to be disease-causing. Advanced modeling of protein sequence and biophysical properties (such as structural, functional, and spatial information, amino acid conservation, physicochemical variation, residue mobility, and thermodynamic stability) performed at Invitae indicates that this missense variant is expected to disrupt MEN1 protein function. ClinVar contains an entry for this variant (Variation ID: 579495). This variant has not been reported in the literature in individuals affected with MEN1-related conditions. This variant is not present in population databases (gnomAD no frequency). This sequence change replaces alanine, which is neutral and non-polar, with valine, which is neutral and non-polar, at codon 164 of the MEN1 protein (p.Ala164Val).

Literature cited by the submitters: PubMed 30339208 (cited by Ambry Genetics); PubMed 9463336 (cited by Labcorp Genetics (formerly Invitae), Labcorp); PubMed 12112656 (cited by Labcorp Genetics (formerly Invitae), Labcorp); PubMed 12509449 (cited by Labcorp Genetics (formerly Invitae), Labcorp); PubMed 20231234 (cited by Labcorp Genetics (formerly Invitae), Labcorp); PubMed 25309785 (cited by Labcorp Genetics (formerly Invitae), Labcorp).